The following is an entry in ClinVar:

ClinVar aggregate classification (germline): Uncertain significance (1 of 4 stars; one submission).

gnomAD v4.1: 1 of 1,611,958 alleles (0.000062%); highest among the groups gnomAD compares: Non-Finnish European, 0.000085%; no homozygotes.

Submission:

GeneDx
Classification: Uncertain significance. Last evaluated: 2025-04-30. Review status: criteria provided, single submitter. Criteria: GeneDx Variant Classification Process June 2021. Collection method: clinical testing. Allele origin: germline. Affected: yes.
Comment: Not observed at significant frequency in large population cohorts (gnomAD); Missense variant in a gene in which most reported pathogenic variants are truncating/loss of function; Has not been previously published as pathogenic or benign to our knowledge

NM_001267550.2(TTN):c.34040A>C (p.Gln11347Pro)

Gene: TTN (titin; minus strand). Cytogenetic location: 2q31.2.
Variant type: single nucleotide variant.
Coding change: c.34040A>C on transcript NM_001267550.2 (MANE Select); coding-DNA position 34040, A replaced by C.
Protein change: p.Gln11347Pro; replaces glutamine 11347 with proline.
Molecular consequence: missense variant. On other transcripts: intron variant (3).
Genome position (GRCh38, 1-based): chr2:178,677,872, T>G on the plus strand (A>C on the coding strand, the complement: TTN is on the minus strand). VCF-style: chr2-178677872-T-G. GRCh37 (hg19) VCF-style: chr2-179542599-T-G.
Other names: c.33089A>C, p.Gln11030Pro (NM_001256850.1); c.30308A>C, p.Gln10103Pro (NM_133378.4); c.13283-35555A>C (NM_003319.4); c.13859-35555A>C (NM_133437.4); c.13658-35555A>C (NM_133432.3); short protein forms Q10103P, Q11030P, Q11347P.
Identifiers: ClinVar variation 4527016 (VCV004527016.1).